The following is an entry in ClinVar:

NM_006231.4(POLE):c.6429G>T (p.Gln2143His)

Gene: POLE (DNA polymerase epsilon, catalytic subunit; minus strand). Cytogenetic location: 12q24.33.
Variant type: single nucleotide variant.
Coding change: c.6429G>T on transcript NM_006231.4 (MANE Select); coding-DNA position 6429, G replaced by T.
Protein change: p.Gln2143His; replaces glutamine 2143 with histidine.
Molecular consequence: missense variant.
Genome position (GRCh38, 1-based): chr12:132,626,219, C>A on the plus strand (G>T on the coding strand, the complement: POLE is on the minus strand). VCF-style: chr12-132626219-C-A. GRCh37 (hg19) VCF-style: chr12-133202805-C-A.
Other names: c.6429G>T (NM_006231.2); short protein forms Q2143H.
Identifiers: ClinVar variation 1446568 (VCV001446568.9), dbSNP rs2041836340, ClinGen allele CA387367586.

ClinVar aggregate classification (germline): Uncertain significance. Review status: criteria provided, multiple submitters, no conflicts (2 of 4 stars). 2 submissions from 2 submitters: Uncertain significance (2). Last evaluated 2025-11-28.

Conditions:
Hereditary cancer-predisposing syndrome. Also called: Hereditary Cancer Syndrome; Hereditary neoplastic syndrome; Neoplastic Syndromes, Hereditary; Tumor predisposition. Identifiers: Orphanet 140162, MedGen C0027672, MeSH D009386, MONDO:0015356.

Submissions (2):

Labcorp Genetics (formerly Invitae), Labcorp
Classification: Uncertain significance. Last evaluated: 2025-11-28. Review status: criteria provided, single submitter. Criteria: Invitae Variant Classification Sherloc (09022015). Collection method: clinical testing. Allele origin: germline.
Comment: This sequence change replaces glutamine, which is neutral and polar, with histidine, which is basic and polar, at codon 2143 of the POLE protein (p.Gln2143His). This variant is not present in population databases (gnomAD no frequency). This variant has not been reported in the literature in individuals affected with POLE-related conditions. ClinVar contains an entry for this variant (Variation ID: 1446568). Invitae Evidence Modeling of protein sequence and biophysical properties (such as structural, functional, and spatial information, amino acid conservation, physicochemical variation, residue mobility, and thermodynamic stability) indicates that this missense variant is not expected to disrupt POLE protein function with a negative predictive value of 80%. In summary, the available evidence is currently insufficient to determine the role of this variant in disease. Therefore, it has been classified as a Variant of Uncertain Significance.

Ambry Genetics
Classification: Uncertain significance for Hereditary cancer-predisposing syndrome. Last evaluated: 2023-12-19. Review status: criteria provided, single submitter. Criteria: Ambry Variant Classification Scheme 2023. Collection method: clinical testing. Allele origin: germline.
Comment: The p.Q2143H variant (also known as c.6429G>T), located in coding exon 46 of the POLE gene, results from a G to T substitution at nucleotide position 6429. The glutamine at codon 2143 is replaced by histidine, an amino acid with highly similar properties. This amino acid position is conserved. In addition, this alteration is predicted to be tolerated by in silico analysis. Since supporting evidence is limited at this time, the clinical significance of this alteration remains unclear.